The following is an entry in ClinVar:

NM_000126.4(ETFA):c.499del (p.Ser167fs)

Gene: ETFA (electron transfer flavoprotein subunit alpha; minus strand). Cytogenetic location: 15q24.2.
Variant type: Deletion.
Coding change: c.499del on transcript NM_000126.4 (MANE Select); coding-DNA position 499, one base deleted (T; older notation c.499delT).
Protein change: p.Ser167fs; shifts the reading frame from serine 167.
Molecular consequence: frameshift variant.
Genome position (GRCh38, 1-based): chr15:76,286,434, A deleted on the plus strand (T on the coding strand, the reverse complement: ETFA is on the minus strand); the first of 4 consecutive A bases (chr15:76,286,434-76,286,437); deleting any one gives the same sequence. VCF-style (leftmost placement, unchanged base first): chr15-76286433-GA-G. GRCh37 (hg19) VCF-style: chr15-76578774-GA-G.
Other names: c.352del, p.Ser118fs (NM_001127716.2); short protein forms S167fs, S118fs.
Identifiers: ClinVar variation 3642543 (VCV003642543.2).

ClinVar aggregate classification (germline): Pathogenic (1 of 4 stars; one submission).

Conditions:
Multiple acyl-CoA dehydrogenase deficiency (MADD). Also called: ETHYLMALONIC-ADIPICACIDURIA; GA II; Glutaric aciduria, type 2; Glutaric acidemia type II; GA 2; Glutaric Acidemia type 2. Identifiers: Orphanet 26791, MedGen C0268596, MONDO:0009282, OMIM 231680.

Submission:

Labcorp Genetics (formerly Invitae), Labcorp
Classification: Pathogenic for Multiple acyl-CoA dehydrogenase deficiency. Last evaluated: 2024-02-28. Review status: criteria provided, single submitter. Criteria: Invitae Variant Classification Sherloc (09022015). Collection method: clinical testing. Allele origin: germline.
Comment: This sequence change creates a premature translational stop signal (p.Ser167Leufs*38) in the ETFA gene. It is expected to result in an absent or disrupted protein product. Loss-of-function variants in ETFA are known to be pathogenic (PMID: 16510302, 23785301). This variant is not present in population databases (gnomAD no frequency). This variant has not been reported in the literature in individuals affected with ETFA-related conditions. For these reasons, this variant has been classified as Pathogenic.

Literature cited by the submitters: PubMed 16510302; PubMed 23785301.